The following is an entry in ClinVar:

ClinVar aggregate classification (germline): Likely benign. Review status: criteria provided, multiple submitters, no conflicts (2 of 4 stars). 5 submissions from 5 submitters: Likely benign (5). Last evaluated 2025-11-18.

Conditions:
Hereditary cancer-predisposing syndrome. Also called: Tumor predisposition; Neoplastic Syndromes, Hereditary; Hereditary Cancer Syndrome; Hereditary neoplastic syndrome. Identifiers: Orphanet 140162, MedGen C0027672, MeSH D009386, MONDO:0015356.

Allele frequency attached by ClinVar (database versions not stated): gnomAD exomes 0.00001; gnomAD 0.00002; TOPMed 0.00002.
gnomAD v4.1: 26 of 1,613,496 alleles (0.0016%); highest among the groups gnomAD compares: African/African-American, 0.004%; no homozygotes.

Submissions (5):

Labcorp Genetics (formerly Invitae), Labcorp
Classification: Likely benign. Last evaluated: 2025-11-18. Review status: criteria provided, single submitter. Criteria: Invitae Variant Classification Sherloc (09022015). Collection method: clinical testing. Allele origin: germline.

Center for Genomic Medicine, Rigshospitalet, Copenhagen University Hospital
Classification: Likely benign. Last evaluated: 2025-03-04. Review status: criteria provided, single submitter. Criteria: ACMG Guidelines, 2015. Collection method: clinical testing. Allele origin: germline.

Sema4
Classification: Likely benign for Hereditary cancer-predisposing syndrome. Last evaluated: 2021-05-20. Review status: criteria provided, single submitter. Criteria: Sema4 Curation Guidelines. Collection method: curation. Allele origin: germline.

Ambry Genetics
Classification: Likely benign for Hereditary cancer-predisposing syndrome. Last evaluated: 2018-03-23. Review status: criteria provided, single submitter. Criteria: Ambry Variant Classification Scheme 2023. Collection method: clinical testing. Allele origin: germline.

GeneDx
Classification: Likely benign. Last evaluated: 2018-01-09. Review status: criteria provided, single submitter. Criteria: GeneDx Variant Classification (06012015). Collection method: clinical testing. Allele origin: germline. Affected: yes.
Comment: This variant is considered likely benign or benign based on one or more of the following criteria: it is a conservative change, it occurs at a poorly conserved position in the protein, it is predicted to be benign by multiple in silico algorithms, and/or has population frequency not consistent with disease.

NM_006231.4(POLE):c.552C>T (p.Ser184=)

Gene: POLE (DNA polymerase epsilon, catalytic subunit; minus strand). Cytogenetic location: 12q24.33.
Variant type: single nucleotide variant.
Coding change: c.552C>T on transcript NM_006231.4 (MANE Select); coding-DNA position 552, C replaced by T.
Protein change: p.Ser184=; no amino-acid change (serine 184 retained).
Molecular consequence: synonymous variant.
Genome position (GRCh38, 1-based): chr12:132,679,523, G>A on the plus strand (C>T on the coding strand, the complement: POLE is on the minus strand). VCF-style: chr12-132679523-G-A. GRCh37 (hg19) VCF-style: chr12-133256109-G-A.
Identifiers: ClinVar variation 240563 (VCV000240563.20), dbSNP rs878854884, ClinGen allele CA10583030.